The following is an entry in ClinVar:

ClinVar aggregate classification (germline): Uncertain significance (1 of 4 stars; one submission).

Conditions:
Chédiak-Higashi syndrome (CHS). Also called: Chediak-Higashi Syndrome. Identifiers: Orphanet 167, MedGen C0007965, MONDO:0008963, OMIM 214500.

gnomAD v4.1: 10 of 1,613,702 alleles (0.00062%); highest among the groups gnomAD compares: African/African-American, 0.0067%; no homozygotes.

Submission:

Labcorp Genetics (formerly Invitae), Labcorp
Classification: Uncertain significance for Chédiak-Higashi syndrome. Last evaluated: 2025-08-12. Review status: criteria provided, single submitter. Criteria: Invitae Variant Classification Sherloc (09022015). Collection method: clinical testing. Allele origin: germline.
Comment: This sequence change replaces glutamic acid, which is acidic and polar, with lysine, which is basic and polar, at codon 3213 of the LYST protein (p.Glu3213Lys). This variant is present in population databases (no rsID available, gnomAD 0.005%). This variant has not been reported in the literature in individuals affected with LYST-related conditions. Invitae Evidence Modeling of protein sequence and biophysical properties (such as structural, functional, and spatial information, amino acid conservation, physicochemical variation, residue mobility, and thermodynamic stability) indicates that this missense variant is not expected to disrupt LYST protein function with a negative predictive value of 80%. In summary, the available evidence is currently insufficient to determine the role of this variant in disease. Therefore, it has been classified as a Variant of Uncertain Significance.

NM_000081.4(LYST):c.9637G>A (p.Glu3213Lys)

Gene: LYST (lysosomal trafficking regulator; minus strand). Cytogenetic location: 1q42.3.
Variant type: single nucleotide variant.
Coding change: c.9637G>A on transcript NM_000081.4 (MANE Select); coding-DNA position 9637, G replaced by A.
Protein change: p.Glu3213Lys; replaces glutamic acid 3213 with lysine.
Molecular consequence: missense variant.
Genome position (GRCh38, 1-based): chr1:235,715,348, C>T on the plus strand (G>A on the coding strand, the complement: LYST is on the minus strand). VCF-style: chr1-235715348-C-T. GRCh37 (hg19) VCF-style: chr1-235878648-C-T.
Other names: c.9637G>A, p.Glu3213Lys (NM_001301365.1); short protein forms E3213K.
Identifiers: ClinVar variation 4707885 (VCV004707885.1).